The following is an entry in ClinVar:

NM_021956.5(GRIK2):c.283+1G>C

Gene: GRIK2 (glutamate ionotropic receptor kainate type subunit 2; plus strand). Cytogenetic location: 6q16.3.
Variant type: single nucleotide variant.
Coding change: c.283+1G>C on transcript NM_021956.5 (MANE Select); the canonical splice donor site of the intron after coding-DNA position 283, G replaced by C.
Molecular consequence: splice donor variant.
Genome position (GRCh38, 1-based): chr6:101,622,117, G>C. VCF-style: chr6-101622117-G-C. GRCh37 (hg19) VCF-style: chr6-102069992-G-C.
Other names: c.283+1G>C (NM_175768.3, NM_001166247.1).
Identifiers: ClinVar variation 2503314 (VCV002503314.2), dbSNP rs1304867450, ClinGen allele CA365306753.

ClinVar aggregate classification (germline): Likely pathogenic (1 of 4 stars; one submission).

Allele frequency attached by ClinVar (database versions not stated): TOPMed 0.00001; gnomAD 0.00001.

Submission:

GeneDx
Classification: Likely pathogenic. Last evaluated: 2025-06-27. Review status: criteria provided, single submitter. Criteria: GeneDx Variant Classification Process June 2021. Collection method: clinical testing. Allele origin: germline.
Comment: Identified in an autism spectrum disorder case-control cohort (PMID: 26185613); Canonical splice site variant expected to result in aberrant splicing, although in the absence of functional evidence the actual effect of this sequence change is unknown.; Not observed at significant frequency in large population cohorts (gnomAD); This variant is associated with the following publications: (PMID: 26185613)